The following is an entry in ClinVar:

NM_000111.3(SLC26A3):c.1683C>G (p.Gly561=)

Gene: SLC26A3 (solute carrier family 26 member 3; minus strand). Cytogenetic location: 7q22.3.
Variant type: single nucleotide variant.
Coding change: c.1683C>G on transcript NM_000111.3 (MANE Select); coding-DNA position 1683, C replaced by G.
Protein change: p.Gly561=; no amino-acid change (glycine 561 retained).
Molecular consequence: synonymous variant.
Genome position (GRCh38, 1-based): chr7:107,774,867, G>C on the plus strand (C>G on the coding strand, the complement: SLC26A3 is on the minus strand). VCF-style: chr7-107774867-G-C. GRCh37 (hg19) VCF-style: chr7-107415312-G-C.
Identifiers: ClinVar variation 2420217 (VCV002420217.9), dbSNP rs376707926, ClinGen allele CA4433723.

ClinVar aggregate classification (germline): Likely benign. Review status: criteria provided, single submitter (1 of 4 stars). 2 submissions from 2 submitters: Likely benign (1). 1 of the submissions does not count toward it. Last evaluated 2025-12-17.

Conditions:
SLC26A3-related disorder. Also called: SLC26A3-related condition.

Allele frequency attached by ClinVar (database versions not stated): gnomAD exomes 0.00001; gnomAD 0.00003; TOPMed 0.00004; 1000 Genomes Project 30x 0.00016; 1000 Genomes Project 0.00020.
gnomAD v4.1: 26 of 1,613,768 alleles (0.0016%); highest among the groups gnomAD compares: East Asian, 0.053%; no homozygotes.

Submissions (2):

Labcorp Genetics (formerly Invitae), Labcorp
Classification: Likely benign. Last evaluated: 2025-12-17. Review status: criteria provided, single submitter. Criteria: Invitae Variant Classification Sherloc (09022015). Collection method: clinical testing. Allele origin: germline.

PreventionGenetics, part of Exact Sciences
Classification: Likely benign for SLC26A3-related condition. Last evaluated: 2019-09-17. Review status: no assertion criteria provided. Collection method: clinical testing. Allele origin: germline. Not counted in ClinVar's aggregate classification.
Comment: This variant is classified as likely benign based on ACMG/AMP sequence variant interpretation guidelines (Richards et al. 2015 PMID: 25741868, with internal and published modifications).